The following is an entry in ClinVar:

ClinVar aggregate classification (germline): Uncertain significance (1 of 4 stars; one submission).

Submission:

Labcorp Genetics (formerly Invitae), Labcorp
Classification: Uncertain significance. Last evaluated: 2026-01-16. Review status: criteria provided, single submitter. Criteria: Invitae Variant Classification Sherloc (09022015). Collection method: clinical testing. Allele origin: germline.
Comment: This sequence change replaces serine, which is neutral and polar, with arginine, which is basic and polar, at codon 648 of the DSCAML1 protein (p.Ser648Arg). This variant is not present in population databases (gnomAD no frequency). This variant has not been reported in the literature in individuals affected with DSCAML1-related conditions. ClinVar contains an entry for this variant (Variation ID: 1956318). An algorithm developed to predict the effect of missense changes on protein structure and function (PolyPhen-2) suggests that this variant is likely to be disruptive. In summary, the available evidence is currently insufficient to determine the role of this variant in disease. Therefore, it has been classified as a Variant of Uncertain Significance.

NM_020693.4(DSCAML1):c.1762A>C (p.Ser588Arg)

Gene: DSCAML1 (DS cell adhesion molecule like 1; minus strand). Cytogenetic location: 11q23.3.
Variant type: single nucleotide variant.
Coding change: c.1762A>C on transcript NM_020693.4 (MANE Select); coding-DNA position 1762, A replaced by C.
Protein change: p.Ser588Arg; replaces serine 588 with arginine.
Molecular consequence: missense variant.
Genome position (GRCh38, 1-based): chr11:117,516,488, T>G on the plus strand (A>C on the coding strand, the complement: DSCAML1 is on the minus strand). VCF-style: chr11-117516488-T-G. GRCh37 (hg19) VCF-style: chr11-117387203-T-G.
Other names: c.1762A>C, p.Ser588Arg (NM_001367904.1); short protein forms S588R.
Identifiers: ClinVar variation 1956318 (VCV001956318.5), dbSNP rs1419510752, ClinGen allele CA382743333.